The following is an entry in ClinVar:

ClinVar aggregate classification (germline): Uncertain significance (1 of 4 stars; one submission).

Conditions:
Hereditary cancer-predisposing syndrome. Also called: Neoplastic Syndromes, Hereditary; Hereditary Cancer Syndrome; Hereditary neoplastic syndrome; Tumor predisposition. Identifiers: Orphanet 140162, MedGen C0027672, MeSH D009386, MONDO:0015356.

Submission:

Ambry Genetics
Classification: Uncertain significance for Hereditary cancer-predisposing syndrome. Last evaluated: 2025-07-15. Review status: criteria provided, single submitter. Criteria: Ambry Variant Classification Scheme 2023. Collection method: clinical testing. Allele origin: germline.
Comment: The c.-3A>G variant is located in the 5' untranslated region (5&rsquo; UTR) of the TSC1 gene. This variant results from an A to G substitution 3 bases upstream from the first translated codon. This nucleotide position is highly conserved in available vertebrate species. Based on the available evidence, the clinical significance of this variant remains unclear.

NM_000368.5(TSC1):c.-3A>G

Gene: TSC1 (TSC complex subunit 1; minus strand). Cytogenetic location: 9q34.13.
Variant type: single nucleotide variant.
Coding change: c.-3A>G on transcript NM_000368.5 (MANE Select); 3 bases upstream of the start codon, A replaced by G.
Molecular consequence: 5 prime UTR variant. On other transcripts: non-coding transcript variant (5), intron variant (2).
Genome position (GRCh38, 1-based): chr9:132,928,875, T>C on the plus strand (A>G on the coding strand, the complement: TSC1 is on the minus strand). VCF-style: chr9-132928875-T-C. GRCh37 (hg19) VCF-style: chr9-135804262-T-C.
Other names: c.-3A>G (NM_001162426.2, NM_001406595.1, NM_001406596.1 and 21 more transcripts); c.-262A>G (NM_001362177.2, NM_001406617.1, NM_001406619.1 and 3 more transcripts); c.-354A>G (NM_001406614.1); c.-491A>G (NM_001406615.1, NM_001406623.1); c.-458A>G (NM_001406616.1, NM_001406624.1); c.-880A>G (NM_001406626.1, NM_001406627.1, NM_001406628.1); c.-1022A>G (NM_001406629.1); c.-1096A>G (NM_001406630.1); and 1 more.
Identifiers: ClinVar variation 2562886 (VCV002562886.3), dbSNP rs2539147462, ClinGen allele CA2579494475.